The following is an entry in ClinVar:

ClinVar aggregate classification (germline): Pathogenic. Review status: criteria provided, multiple submitters, no conflicts (2 of 4 stars). 2 submissions from 2 submitters: Pathogenic (2). Last evaluated 2025-12-27.

Conditions:
Hereditary breast ovarian cancer syndrome. Also called: Hereditary breast and/or ovarian cancer syndrome; BRCA1- and BRCA2-Associated Hereditary Breast and Ovarian Cancer; Breast and ovarian cancer; Hereditary breast and ovarian cancer; Hereditary breast and ovarian cancer syndrome; Hereditary breast and ovarian cancer syndrome (HBOC). Identifiers: Orphanet 145, MedGen C0677776, MeSH D061325, MONDO:0003582. Disease mechanism: loss of function.
Hereditary cancer-predisposing syndrome. Also called: Hereditary neoplastic syndrome; Tumor predisposition; Hereditary Cancer Syndrome; Neoplastic Syndromes, Hereditary. Identifiers: Orphanet 140162, MedGen C0027672, MeSH D009386, MONDO:0015356.

Submissions (2):

Labcorp Genetics (formerly Invitae), Labcorp
Classification: Pathogenic for Hereditary breast ovarian cancer syndrome. Last evaluated: 2025-12-27. Review status: criteria provided, single submitter. Criteria: Invitae Variant Classification Sherloc (09022015). Collection method: clinical testing. Allele origin: germline.
Comment: This sequence change creates a premature translational stop signal (p.Glu3152*) in the BRCA2 gene. It is expected to result in an absent or disrupted protein product. Loss-of-function variants in BRCA2 are known to be pathogenic (PMID: 20104584). This variant is not present in population databases (gnomAD no frequency). This variant has not been reported in the literature in individuals affected with BRCA2-related conditions. ClinVar contains an entry for this variant (Variation ID: 491375). For these reasons, this variant has been classified as Pathogenic.

Color Diagnostics, LLC DBA Color Health
Classification: Pathogenic for Hereditary cancer-predisposing syndrome. Last evaluated: 2022-11-15. Review status: criteria provided, single submitter. Criteria: ACMG Guidelines, 2015. Collection method: clinical testing. Allele origin: germline.
Comment: This variant changes 1 nucleotide in exon 25 of the BRCA2 gene, creating a premature translation stop signal. This variant is expected to result in an absent or non-functional protein product. To our knowledge, this variant has not been reported in individuals affected with BRCA2-related disorders in the literature. This variant has not been identified in the general population by the Genome Aggregation Database (gnomAD). Loss of BRCA2 function is a known mechanism of disease. Based on the available evidence, this variant is classified as Pathogenic.

Literature cited by the submitters: PubMed 20104584 (cited by Labcorp Genetics (formerly Invitae), Labcorp).

NM_000059.4(BRCA2):c.9454G>T (p.Glu3152Ter)

Gene: BRCA2 (BRCA2 DNA repair associated; plus strand). Cytogenetic location: 13q13.1.
Variant type: single nucleotide variant.
Coding change: c.9454G>T on transcript NM_000059.4 (MANE Select); coding-DNA position 9454, G replaced by T.
Protein change: p.Glu3152Ter; replaces glutamic acid 3152 with a stop codon.
Molecular consequence: nonsense.
Genome position (GRCh38, 1-based): chr13:32,394,886, G>T. VCF-style: chr13-32394886-G-T. GRCh37 (hg19) VCF-style: chr13-32969023-G-T.
Other names: short protein forms E3152*.
Identifiers: ClinVar variation 491375 (VCV000491375.11), dbSNP rs80359218, ClinGen allele CA387761663.
Genomic context (GRCh38, chr13:32,394,886, plus strand): 5'-AAATCAGGCCTTCTTACTTTATTTGCTGGAGATTTTTCTGTGTTTTCTGCTAGTCCAAAA[G>T]AGGGCCACTTTCAAGAGACATTCAACAAAATGAAAAATACTGTTGAGGTAAGGTTACTTT-3'